The following is an entry in ClinVar:

NM_032638.5(GATA2):c.580G>A (p.Ala194Thr)

Gene: GATA2 (GATA binding protein 2; minus strand). Cytogenetic location: 3q21.3.
Variant type: single nucleotide variant.
Coding change: c.580G>A on transcript NM_032638.5 (MANE Select); coding-DNA position 580, G replaced by A.
Protein change: p.Ala194Thr; replaces alanine 194 with threonine.
Molecular consequence: missense variant.
Genome position (GRCh38, 1-based): chr3:128,486,018, C>T on the plus strand (G>A on the coding strand, the complement: GATA2 is on the minus strand). VCF-style: chr3-128486018-C-T. GRCh37 (hg19) VCF-style: chr3-128204861-C-T.
Other names: c.580G>A, p.Ala194Thr (NM_001145661.2, NM_001145662.1); short protein forms A194T.
Identifiers: ClinVar variation 5022213 (VCV005022213.1).

ClinVar aggregate classification (germline): Uncertain significance (1 of 4 stars; one submission).

Conditions:
Inborn genetic diseases. Identifiers: MedGen C0950123, MeSH D030342.

gnomAD v4.1: 1 of 1,614,122 alleles (0.000062%); highest among the groups gnomAD compares: South Asian, 0.0011%; no homozygotes.

Submission:

Ambry Genetics
Classification: Uncertain significance for Inborn genetic diseases. Last evaluated: 2026-07-07. Review status: criteria provided, single submitter. Criteria: Ambry Variant Classification Scheme 2023. Collection method: clinical testing. Allele origin: germline.
Comment: The p.A194T variant (also known as c.580G>A), located in coding exon 2 of the GATA2 gene, results from a G to A substitution at nucleotide position 580. The alanine at codon 194 is replaced by threonine, an amino acid with similar properties. This amino acid position is conserved. In addition, this alteration is predicted to be tolerated by in silico analysis. Based on the available evidence, the clinical significance of this variant remains unclear.